The following is an entry in ClinVar:

ClinVar aggregate classification (germline): Uncertain significance (1 of 4 stars; one submission).

Submission:

Women's Health and Genetics/Laboratory Corporation of America, LabCorp
Classification: Uncertain significance. Last evaluated: 2024-10-30. Review status: criteria provided, single submitter. Criteria: LabCorp Variant Classification Summary - May 2015. Collection method: clinical testing. Allele origin: germline.
Comment: Variant summary: MVK c.605G>C (p.Gly202Ala) results in a non-conservative amino acid change located in the GHMP kinase N-terminal domain (IPR006204) of the encoded protein sequence. Five of five in-silico tools predict a damaging effect of the variant on protein function. The variant was absent in 251388 control chromosomes. The available data on variant occurrences in the general population are insufficient to allow any conclusion about variant significance. To our knowledge, no occurrence of c.605G>C in individuals affected with Mevalonic aciduria and no experimental evidence demonstrating its impact on protein function have been reported. A different variant affecting the same codon has been classified as a VUS change by our lab (c.605G>A, p.Gly202Glu). No submitters have cited clinical-significance assessments for this variant to ClinVar. Based on the evidence outlined above, the variant was classified as uncertain significance.

NM_000431.4(MVK):c.605G>C (p.Gly202Ala)

Gene: MVK (mevalonate kinase; plus strand). Cytogenetic location: 12q24.11.
Variant type: single nucleotide variant.
Coding change: c.605G>C on transcript NM_000431.4 (MANE Select); coding-DNA position 605, G replaced by C.
Protein change: p.Gly202Ala; replaces glycine 202 with alanine.
Molecular consequence: missense variant. On other transcripts: non-coding transcript variant (4).
Genome position (GRCh38, 1-based): chr12:109,586,099, G>C. VCF-style: chr12-109586099-G-C. GRCh37 (hg19) VCF-style: chr12-110023904-G-C.
Other names: c.605G>C, p.Gly202Ala (NM_001114185.3, NM_001414511.1, NM_001414512.1 and 1 more transcripts); c.449G>C, p.Gly150Ala (NM_001301182.2, NM_001414514.1); c.23G>C, p.Gly8Ala (NM_001414515.1); short protein forms G150A, G202A, G8A.
Identifiers: ClinVar variation 3385295 (VCV003385295.1).
Genomic context (GRCh38, chr12:109,586,099, plus strand): 5'-TGGAGCTAATTAACAAGTGGGCCTTCCAAGGGGAGAGAATGATTCACGGGAACCCCTCCG[G>C]AGTGGACAATGCTGTCAGCACCTGGGGTAGGTGTGGCCTCAGGTTTATTTTATTGTTGTT-3'
Protein context (NP_000422.1, residues 192-212): GERMIHGNPS[Gly202Ala]VDNAVSTWGG